The following is an entry in ClinVar:

NM_152443.3(RDH12):c.-2C>T

Genes: GPHN (gephyrin; plus strand), RDH12 (retinol dehydrogenase 12; plus strand). Cytogenetic location: 14q24.1.
Variant type: single nucleotide variant.
Coding change: c.-2C>T on transcript NM_152443.3 (MANE Select); 2 bases upstream of the start codon, C replaced by T.
Molecular consequence: 5 prime UTR variant.
Genome position (GRCh38, 1-based): chr14:67,722,641, C>T. VCF-style: chr14-67722641-C-T. GRCh37 (hg19) VCF-style: chr14-68189358-C-T.
Identifiers: ClinVar variation 3352451 (VCV003352451.1).

ClinVar aggregate classification (germline): Likely benign (0 of 4 stars; one submission).

Conditions:
RDH12-related disorder. Also called: RDH12-related condition; RDH12-related disorders.

gnomAD v4.1: 196 of 1,613,494 alleles (0.012%); highest among the groups gnomAD compares: South Asian, 0.048%; 1 homozygote.

Submission:

PreventionGenetics, part of Exact Sciences
Classification: Likely benign for RDH12-related condition. Last evaluated: 2024-09-04. Review status: no assertion criteria provided. Collection method: clinical testing. Allele origin: germline.
Comment: This variant is classified as likely benign based on ACMG/AMP sequence variant interpretation guidelines (Richards et al. 2015 PMID: 25741868, with internal and published modifications).